The following is an entry in ClinVar:

NM_138959.3(VANGL1):c.*313A>G

Gene: VANGL1 (VANGL planar cell polarity protein 1; plus strand). Cytogenetic location: 1p13.1.
Variant type: single nucleotide variant.
Coding change: c.*313A>G on transcript NM_138959.3 (MANE Select); 313 bases downstream of the stop codon, A replaced by G.
Molecular consequence: 3 prime UTR variant.
Genome position (GRCh38, 1-based): chr1:115,691,692, A>G. VCF-style: chr1-115691692-A-G. GRCh37 (hg19) VCF-style: chr1-116234313-A-G.
Other names: c.*313A>G (NM_001172411.2, NM_001172412.2).
Identifiers: ClinVar variation 292020 (VCV000292020.9), dbSNP rs3811012, ClinGen allele CA10607539.

ClinVar aggregate classification (germline): Benign. Review status: criteria provided, multiple submitters, no conflicts (2 of 4 stars). 4 submissions from 3 submitters: Benign (4). Last evaluated 2018-11-12.

Conditions:
Sacral defect with anterior meningocele. Identifiers: MedGen C1838568, OMIM 600145.
Neural tube defect (NTD). Also called: Neural tube defects. Identifiers: Orphanet 3388, Orphanet 823, MedGen C0027794, MONDO:0018075, HP:0045005.

Allele frequency attached by ClinVar (database versions not stated): TOPMed 0.69064; 1000 Genomes Project 0.73942; 1000 Genomes Project 30x 0.74250.
gnomAD v4.1: 194,108 of 299,190 alleles (65%); highest among the groups gnomAD compares: African/African-American, 83%; 64,692 homozygotes.

Submissions (4):

GeneDx
Classification: Benign. Last evaluated: 2018-11-12. Review status: criteria provided, single submitter. Criteria: GeneDx Variant Classification Process June 2021. Collection method: clinical testing. Allele origin: germline. Affected: yes.

Illumina Laboratory Services, Illumina
Classification: Benign for Sacral defect with anterior meningocele. Last evaluated: 2018-01-13. Review status: criteria provided, single submitter. Criteria: ICSL Variant Classification Criteria 13 December 2019. Collection method: clinical testing. Allele origin: germline.
Comment: This variant was observed in the ICSL laboratory as part of a predisposition screen in an ostensibly healthy population. It had not been previously curated by ICSL or reported in the Human Gene Mutation Database (HGMD: prior to June 1st, 2018), and was therefore a candidate for classification through an automated scoring system. Utilizing variant allele frequency, disease prevalence and penetrance estimates, and inheritance mode, an automated score was calculated to assess if this variant is too frequent to cause the disease. Based on the score and internal cut-off values, a variant classified as benign is not then subjected to further curation. The score for this variant resulted in a classification of benign for this disease.

Illumina Laboratory Services, Illumina
Classification: Benign for Neural tube defects, susceptibility to. Last evaluated: 2018-01-13. Review status: criteria provided, single submitter. Criteria: ICSL Variant Classification Criteria 13 December 2019. Collection method: clinical testing. Allele origin: germline.
Comment: the same text as in the submission from Illumina Laboratory Services, Illumina above.

Breakthrough Genomics
Classification: Benign. Review status: criteria provided, single submitter. Criteria: ACMG Guidelines, 2015. Collection method: not provided. Allele origin: germline. Inheritance: Autosomal dominant inheritance. Affected: yes.